The following is an entry in ClinVar:

NM_002772.3(TMPRSS15):c.2725A>T (p.Asn909Tyr)

Gene: TMPRSS15 (transmembrane serine protease 15; minus strand). Cytogenetic location: 21q21.1.
Variant type: single nucleotide variant.
Coding change: c.2725A>T on transcript NM_002772.3 (MANE Select); coding-DNA position 2725, A replaced by T.
Protein change: p.Asn909Tyr; replaces asparagine 909 with tyrosine.
Molecular consequence: missense variant.
Genome position (GRCh38, 1-based): chr21:18,279,003, T>A on the plus strand (A>T on the coding strand, the complement: TMPRSS15 is on the minus strand). VCF-style: chr21-18279003-T-A. GRCh37 (hg19) VCF-style: chr21-19651320-T-A.
Other names: c.2725A>T (NM_002772.2); short protein forms N909Y.
Identifiers: ClinVar variation 2198072 (VCV002198072.2), dbSNP rs371964214, ClinGen allele CA9983942.
Genomic context (GRCh38, chr21:18,279,003, plus strand): 5'-TTTTTGAGTCTGATAATTTACCTTGATATACAACCGTCCCCCAACCAGCAATAGAACAAT[T>A]TCTTCCTGGAGGAAAAACTTGATTTTCTTCCGGTAAACAAATAGGTTGTATGTAATCTGG-3'
Protein context (NP_002763.3, residues 899-919): EENQVFPPGR[Asn909Tyr]CSIAGWGTVV

ClinVar aggregate classification (germline): Uncertain significance. Review status: criteria provided, multiple submitters, no conflicts (2 of 4 stars). 2 submissions from 2 submitters: Uncertain significance (2). Last evaluated 2025-05-01.

Allele frequency attached by ClinVar (database versions not stated): gnomAD 0.00002; gnomAD exomes 0.00003; ESP Exome Variant Server 0.00008; ExAC 0.00002.
gnomAD v4.1: 51 of 1,589,240 alleles (0.0032%); highest among the groups gnomAD compares: Non-Finnish European, 0.0043%; no homozygotes.

Submissions (2):

Ambry Genetics
Classification: Uncertain significance. Last evaluated: 2025-05-01. Review status: criteria provided, single submitter. Criteria: Ambry Variant Classification Scheme 2023. Collection method: clinical testing. Allele origin: germline.

Labcorp Genetics (formerly Invitae), Labcorp
Classification: Uncertain significance. Last evaluated: 2022-02-06. Review status: criteria provided, single submitter. Criteria: Invitae Variant Classification Sherloc (09022015). Collection method: clinical testing. Allele origin: germline.
Comment: This sequence change replaces asparagine, which is neutral and polar, with tyrosine, which is neutral and polar, at codon 909 of the TMPRSS15 protein (p.Asn909Tyr). This variant is present in population databases (rs371964214, gnomAD 0.004%). This variant has not been reported in the literature in individuals affected with TMPRSS15-related conditions. Algorithms developed to predict the effect of missense changes on protein structure and function are either unavailable or do not agree on the potential impact of this missense change (SIFT: "Not Available"; PolyPhen-2: "Benign"; Align-GVGD: "Not Available"). In summary, the available evidence is currently insufficient to determine the role of this variant in disease. Therefore, it has been classified as a Variant of Uncertain Significance.